The following is an entry in ClinVar:

NM_000111.3(SLC26A3):c.1421_1422dup (p.Thr475Ter)

Gene: SLC26A3 (solute carrier family 26 member 3; minus strand). Cytogenetic location: 7q22.3.
Variant type: Duplication.
Coding change: c.1421_1422dup on transcript NM_000111.3 (MANE Select); coding-DNA positions 1421 to 1422, 2 bases duplicated (TG; older notation c.1421_1422dupTG).
Protein change: p.Thr475Ter; replaces threonine 475 with a stop codon.
Molecular consequence: nonsense.
Genome position (GRCh38, 1-based): chr7:107,778,267-107,778,268, CA duplicated on the plus strand (TG on the coding strand, the reverse complement: SLC26A3 is on the minus strand). VCF-style (leftmost placement, unchanged base first): chr7-107778266-T-TCA. GRCh37 (hg19) VCF-style: chr7-107418711-T-TCA.
Other names: short protein forms T475*.
Identifiers: ClinVar variation 2835913 (VCV002835913.3), dbSNP rs2535458490, ClinGen allele CA2739278483.

ClinVar aggregate classification (germline): Pathogenic (1 of 4 stars; one submission).

Submission:

Labcorp Genetics (formerly Invitae), Labcorp
Classification: Pathogenic. Last evaluated: 2023-09-18. Review status: criteria provided, single submitter. Criteria: Invitae Variant Classification Sherloc (09022015). Collection method: clinical testing. Allele origin: germline.
Comment: This sequence change creates a premature translational stop signal (p.Thr475*) in the SLC26A3 gene. It is expected to result in an absent or disrupted protein product. Loss-of-function variants in SLC26A3 are known to be pathogenic (PMID: 9718329, 21394828). This variant is not present in population databases (gnomAD no frequency). This variant has not been reported in the literature in individuals affected with SLC26A3-related conditions. For these reasons, this variant has been classified as Pathogenic.

Literature cited by the submitters: PubMed 9718329; PubMed 21394828.